The following is an entry in ClinVar:

ClinVar aggregate classification (germline): Uncertain significance (1 of 4 stars; one submission).

Submission:

Labcorp Genetics (formerly Invitae), Labcorp
Classification: Uncertain significance. Last evaluated: 2024-02-20. Review status: criteria provided, single submitter. Criteria: Invitae Variant Classification Sherloc (09022015). Collection method: clinical testing. Allele origin: germline.
Comment: This sequence change replaces serine, which is neutral and polar, with proline, which is neutral and non-polar, at codon 117 of the LZTS1 protein (p.Ser117Pro). This variant is present in population databases (no rsID available, gnomAD 0.1%). This variant has not been reported in the literature in individuals affected with LZTS1-related conditions. An algorithm developed to predict the effect of missense changes on protein structure and function (PolyPhen-2) suggests that this variant is likely to be tolerated. In summary, the available evidence is currently insufficient to determine the role of this variant in disease. Therefore, it has been classified as a Variant of Uncertain Significance.

NM_021020.5(LZTS1):c.349T>C (p.Ser117Pro)

Gene: LZTS1 (leucine zipper tumor suppressor 1; minus strand). Cytogenetic location: 8p21.3.
Variant type: single nucleotide variant.
Coding change: c.349T>C on transcript NM_021020.5 (MANE Select); coding-DNA position 349, T replaced by C.
Protein change: p.Ser117Pro; replaces serine 117 with proline.
Molecular consequence: missense variant.
Genome position (GRCh38, 1-based): chr8:20,253,582, A>G on the plus strand (T>C on the coding strand, the complement: LZTS1 is on the minus strand). VCF-style: chr8-20253582-A-G. GRCh37 (hg19) VCF-style: chr8-20111093-A-G.
Other names: c.349T>C, p.Ser117Pro (NM_001362884.2); short protein forms S117P.
Identifiers: ClinVar variation 3669232 (VCV003669232.2).